The following is an entry in ClinVar:

NM_004793.4(LONP1):c.784C>T (p.Pro262Ser)

Gene: LONP1 (lon peptidase 1, mitochondrial; minus strand). Cytogenetic location: 19p13.3.
Variant type: single nucleotide variant.
Coding change: c.784C>T on transcript NM_004793.4 (MANE Select); coding-DNA position 784, C replaced by T.
Protein change: p.Pro262Ser; replaces proline 262 with serine.
Molecular consequence: missense variant. On other transcripts: non-coding transcript variant (1).
Genome position (GRCh38, 1-based): chr19:5,711,857, G>A on the plus strand (C>T on the coding strand, the complement: LONP1 is on the minus strand). VCF-style: chr19-5711857-G-A. GRCh37 (hg19) VCF-style: chr19-5711868-G-A.
Other names: c.592C>T, p.Pro198Ser (NM_001276479.2); c.196C>T, p.Pro66Ser (NM_001276480.1); short protein forms P262S, P198S, P66S.
Identifiers: ClinVar variation 1394034 (VCV001394034.6), dbSNP rs1360044854, ClinGen allele CA403538789.
Genomic context (GRCh38, chr19:5,711,857, plus strand): 5'-CCTCGTGGACAACGTTCTCTACCTCCACCATGAGCACCTCAGCCGGGAGCTCAGGGGTGG[G>A]CTCCATCGCCAGCTCCGCCGGGTGCCTGGCGCTCAGCTCGTCCTCCGCCTCCTTCTTGCC-3'
Protein context (NP_004784.2, residues 252-272): ARHPAELAME[Pro262Ser]TPELPAEVLM

ClinVar aggregate classification (germline): Uncertain significance (1 of 4 stars; one submission).

Allele frequency attached by ClinVar (database versions not stated): TOPMed below 0.00001; gnomAD 0.00001; gnomAD exomes 0.00001.

Submission:

Labcorp Genetics (formerly Invitae), Labcorp
Classification: Uncertain significance. Last evaluated: 2022-08-15. Review status: criteria provided, single submitter. Criteria: Invitae Variant Classification Sherloc (09022015). Collection method: clinical testing. Allele origin: germline.
Comment: This sequence change replaces proline, which is neutral and non-polar, with serine, which is neutral and polar, at codon 262 of the LONP1 protein (p.Pro262Ser). The frequency data for this variant in the population databases is considered unreliable, as metrics indicate poor data quality at this position in the gnomAD database. This variant has not been reported in the literature in individuals affected with LONP1-related conditions. ClinVar contains an entry for this variant (Variation ID: 1394034). Algorithms developed to predict the effect of missense changes on protein structure and function (SIFT, PolyPhen-2, Align-GVGD) all suggest that this variant is likely to be tolerated. In summary, the available evidence is currently insufficient to determine the role of this variant in disease. Therefore, it has been classified as a Variant of Uncertain Significance.